The following is an entry in ClinVar:

NM_001048174.2(MUTYH):c.1494G>C (p.Gln498His)

Gene: MUTYH (mutY DNA glycosylase; minus strand). Cytogenetic location: 1p34.1.
Variant type: single nucleotide variant.
Coding change: c.1494G>C on transcript NM_001048174.2 (MANE Select); coding-DNA position 1494, G replaced by C.
Protein change: p.Gln498His; replaces glutamine 498 with histidine.
Molecular consequence: missense variant. On other transcripts: non-coding transcript variant (7).
Genome position (GRCh38, 1-based): chr1:45,329,378, C>G on the plus strand (G>C on the coding strand, the complement: MUTYH is on the minus strand). VCF-style: chr1-45329378-C-G. GRCh37 (hg19) VCF-style: chr1-45795050-C-G.
Other names: c.1149G>C, p.Gln383His (NM_001407082.1, NM_001350650.2, NM_001350651.2); c.1494G>C, p.Gln498His (NM_001407072.1, NM_001407073.1, NM_001407081.1 and 6 more transcripts); c.1410G>C, p.Gln470His (NM_001407075.1); c.1527G>C, p.Gln509His (NM_001407077.1, NM_001293191.2, NM_001407069.1); c.1497G>C, p.Gln499His (NM_001407078.1, NM_001048172.2, NM_001407071.1 and 1 more transcripts); c.1455G>C, p.Gln485His (NM_001407079.1); c.1452G>C, p.Gln484His (NM_001407080.1); c.1578G>C, p.Gln526His (NM_001128425.2); and 5 more; short protein forms Q383H, Q485H, Q513H, Q526H, Q470H, Q499H, Q523H, Q406H.
Identifiers: ClinVar variation 4113389 (VCV004113389.1).
Genomic context (GRCh38, chr1:45,329,378, plus strand): 5'-ACTGTTGAGGCTGTGTGCATCAGTGGAGATGTGAGACCGAAAGAAATTATCCAGGACTTG[C>G]TGGCCCATGCGGGGCTTTTTCCGACTGCACGGAGAGGACACCTGGGACCTTTTGGAACCC-3'
Protein context (NP_001041639.1, residues 488-508): PCSRKKPRMG[Gln498His]QVLDNFFRSH

ClinVar aggregate classification (germline): Uncertain significance (1 of 4 stars; one submission).

Conditions:
Hereditary cancer-predisposing syndrome. Also called: Tumor predisposition; Neoplastic Syndromes, Hereditary; Hereditary neoplastic syndrome; Hereditary Cancer Syndrome. Identifiers: Orphanet 140162, MedGen C0027672, MeSH D009386, MONDO:0015356.

Submission:

Ambry Genetics
Classification: Uncertain significance for Hereditary cancer-predisposing syndrome. Last evaluated: 2025-08-27. Review status: criteria provided, single submitter. Criteria: Ambry Variant Classification Scheme 2023. Collection method: clinical testing. Allele origin: germline.
Comment: The p.Q526H variant (also known as c.1578G>C), located in coding exon 16 of the MUTYH gene, results from a G to C substitution at nucleotide position 1578. The glutamine at codon 526 is replaced by histidine, an amino acid with highly similar properties. This amino acid position is conserved. In addition, this alteration is predicted to be tolerated by in silico analysis. Based on the available evidence, the clinical significance of this variant remains unclear.